The following is an entry in ClinVar:

NM_000016.6(ACADM):c.*773G>A

Gene: ACADM (acyl-CoA dehydrogenase medium chain; plus strand). Cytogenetic location: 1p31.1.
Variant type: single nucleotide variant.
Coding change: c.*773G>A on transcript NM_000016.6 (MANE Select); 773 bases downstream of the stop codon, G replaced by A.
Molecular consequence: 3 prime UTR variant.
Genome position (GRCh38, 1-based): chr1:75,763,536, G>A. VCF-style: chr1-75763536-G-A. GRCh37 (hg19) VCF-style: chr1-76229221-G-A.
Other names: c.*773G>A (NM_001127328.3, NM_001286042.2, NM_001286043.2 and 1 more transcripts).
Identifiers: ClinVar variation 298079 (VCV000298079.6), dbSNP rs61612438, ClinGen allele CA10611642.
Genomic context (GRCh38, chr1:75,763,536, plus strand): 5'-AATTGTTCAGTGCTTATTATCATATCTTTCTGTATTTTTTCCAGGAAATTTCATTACTTC[G>A]TGTAATAGTGTATATTTCTTGTATTTACTATGATGAAAAAAGGTCGTTTTAATTTTGAAT-3'

ClinVar aggregate classification (germline): Benign. Review status: criteria provided, multiple submitters, no conflicts (2 of 4 stars). 2 submissions from 2 submitters: Benign (2). Last evaluated 2018-01-13.

Conditions:
Medium-chain acyl-coenzyme A dehydrogenase deficiency (ACADMD). Also called: ACADM DEFICIENCY; CARNITINE DEFICIENCY SECONDARY TO MEDIUM-CHAIN ACYL-CoA DEHYDROGENASE DEFICIENCY; MCADH DEFICIENCY; MCADD; Medium chain acyl-CoA dehydrogenase deficiency; MCAD Deficiency. Identifiers: Orphanet 42, MedGen C0220710, MONDO:0008721, OMIM 201450.

Allele frequency attached by ClinVar (database versions not stated): 1000 Genomes Project 0.04113; 1000 Genomes Project 30x 0.04388; gnomAD 0.05111; TOPMed 0.05409.

Submissions (2):

Illumina Laboratory Services, Illumina
Classification: Benign for Medium-chain acyl-coenzyme A dehydrogenase deficiency. Last evaluated: 2018-01-13. Review status: criteria provided, single submitter. Criteria: ICSL Variant Classification Criteria 13 December 2019. Collection method: clinical testing. Allele origin: germline.
Comment: This variant was observed in the ICSL laboratory as part of a predisposition screen in an ostensibly healthy population. It had not been previously curated by ICSL or reported in the Human Gene Mutation Database (HGMD: prior to June 1st, 2018), and was therefore a candidate for classification through an automated scoring system. Utilizing variant allele frequency, disease prevalence and penetrance estimates, and inheritance mode, an automated score was calculated to assess if this variant is too frequent to cause the disease. Based on the score and internal cut-off values, a variant classified as benign is not then subjected to further curation. The score for this variant resulted in a classification of benign for this disease.

Breakthrough Genomics
Classification: Benign. Review status: criteria provided, single submitter. Criteria: ACMG Guidelines, 2015. Collection method: not provided. Allele origin: germline. Inheritance: Autosomal recessive inheritance. Affected: yes.